The following is an entry in ClinVar:

NM_001365999.1(SZT2):c.4948C>T (p.Arg1650Ter)

Gene: SZT2 (SZT2 subunit of KICSTOR complex; plus strand). Cytogenetic location: 1p34.2.
Variant type: single nucleotide variant.
Coding change: c.4948C>T on transcript NM_001365999.1 (MANE Select); coding-DNA position 4948, C replaced by T.
Protein change: p.Arg1650Ter; replaces arginine 1650 with a stop codon.
Molecular consequence: nonsense.
Genome position (GRCh38, 1-based): chr1:43,431,296, C>T. VCF-style: chr1-43431296-C-T. GRCh37 (hg19) VCF-style: chr1-43896967-C-T.
Other names: c.4777C>T, p.Arg1593Ter (NM_015284.4); short protein forms R1593*, R1650*.
Identifiers: ClinVar variation 4697904 (VCV004697904.1).

ClinVar aggregate classification (germline): Pathogenic (1 of 4 stars; one submission).

gnomAD v4.1: 1 of 1,612,400 alleles (0.000062%); highest among the groups gnomAD compares: Non-Finnish European, 0.000085%; no homozygotes.

Submission:

Labcorp Genetics (formerly Invitae), Labcorp
Classification: Pathogenic. Last evaluated: 2025-05-22. Review status: criteria provided, single submitter. Criteria: Invitae Variant Classification Sherloc (09022015). Collection method: clinical testing. Allele origin: germline.
Comment: This sequence change creates a premature translational stop signal (p.Arg1593*) in the SZT2 gene. It is expected to result in an absent or disrupted protein product. Loss-of-function variants in SZT2 are known to be pathogenic (PMID: 23932106, 27248490, 28556953). The frequency data for this variant in the population databases is considered unreliable, as metrics indicate poor data quality at this position in the gnomAD database. This variant has not been reported in the literature in individuals affected with SZT2-related conditions. For these reasons, this variant has been classified as Pathogenic.

Literature cited by the submitters: PubMed 23932106; PubMed 27248490; PubMed 28556953.